The following is an entry in ClinVar:

Single allele

Gene: DMD (dystrophin; minus strand). Cytogenetic location: Xp21.1.
Variant type: Deletion.
Identifiers: ClinVar variation 1256414 (VCV001256414.4).

ClinVar aggregate classification (germline): Pathogenic (1 of 4 stars; one submission).

Submission:

Athena Diagnostics
Classification: Pathogenic. Last evaluated: 2025-04-24. Review status: criteria provided, single submitter. Criteria: Athena Diagnostics Criteria. Collection method: clinical testing. Allele origin: unknown.
Comment: This variant is expected to result in the loss of a functional protein. Similar deletions of exons 46-48 have not been reported in large, multi-ethnic general populations (Genome Aggregation Database (gnomAD), Cambridge, MA (URL)). Multiple unrelated individuals with Duchenne muscular dystrophy (DMD) have been reported with similar deletions of exons 46-48.

Literature cited by the submitters: PubMed 9007319; PubMed 21851881; PubMed 9800909; PubMed 27759885; PubMed 19367636; PubMed 2810338; PubMed 16936400; PubMed 2927671; PubMed 20036901; PubMed 15845029; PubMed 1918370; PubMed 23588064; PubMed 27593222; PubMed 1864612; PubMed 28116794; PubMed 28610567; PubMed 19937601; PubMed 7897627; PubMed 14977063; PubMed 2585468; PubMed 1483053; PubMed 15655674; PubMed 30564623; PubMed 11388892; PubMed 16049303; PubMed 15684864; PubMed 9048922; PubMed 17253928; PubMed 28332368; PubMed 28181689; PubMed 19927354; PubMed 27750387.